The following is an entry in ClinVar:

ClinVar aggregate classification (germline): Uncertain significance (1 of 4 stars; one submission).

Conditions:
Inborn genetic diseases. Identifiers: MedGen C0950123, MeSH D030342.

gnomAD v4.1: 1 of 1,609,390 alleles (0.000062%); highest among the groups gnomAD compares: Non-Finnish European, 0.000085%; no homozygotes.

Submission:

Ambry Genetics
Classification: Uncertain significance for Inborn genetic diseases. Last evaluated: 2026-09-07. Review status: criteria provided, single submitter. Criteria: Ambry Variant Classification Scheme 2023. Collection method: clinical testing. Allele origin: germline.
Comment: The p.R163L variant (also known as c.488G>T), located in coding exon 4 of the ELANE gene, results from a G to T substitution at nucleotide position 488. The arginine at codon 163 is replaced by leucine, an amino acid with dissimilar properties. This amino acid position is conserved. In addition, the in silico prediction for this alteration is inconclusive. Based on the available evidence, the clinical significance of this variant remains unclear.

NM_001972.4(ELANE):c.488G>T (p.Arg163Leu)

Gene: ELANE (elastase, neutrophil expressed; plus strand). Cytogenetic location: 19p13.3.
Variant type: single nucleotide variant.
Coding change: c.488G>T on transcript NM_001972.4 (MANE Select); coding-DNA position 488, G replaced by T.
Protein change: p.Arg163Leu; replaces arginine 163 with leucine.
Molecular consequence: missense variant.
Genome position (GRCh38, 1-based): chr19:855,685, G>T. VCF-style: chr19-855685-G-T. GRCh37 (hg19) VCF-style: chr19-855685-G-T.
Other names: short protein forms R163L.
Identifiers: ClinVar variation 5035911 (VCV005035911.1).